The following is an entry in ClinVar:

ClinVar aggregate classification (germline): Uncertain significance (1 of 4 stars; one submission).

Conditions:
Primary ciliary dyskinesia. Also called: Ciliary dyskinesia. Identifiers: Orphanet 244, MedGen C0008780, MONDO:0016575, HP:0012265.

Allele frequency attached by ClinVar (database versions not stated): gnomAD 0.00001; gnomAD exomes 0.00001; TOPMed 0.00001.
gnomAD v4.1: 17 of 1,613,820 alleles (0.0011%); highest among the groups gnomAD compares: Middle Eastern, 0.016%; no homozygotes.

Submission:

Labcorp Genetics (formerly Invitae), Labcorp
Classification: Uncertain significance for Primary ciliary dyskinesia. Last evaluated: 2019-07-01. Review status: criteria provided, single submitter. Criteria: Invitae Variant Classification Sherloc (09022015). Collection method: clinical testing. Allele origin: germline.
Comment: This sequence change replaces aspartic acid with glycine at codon 1065 of the DNAH11 protein (p.Asp1065Gly). The aspartic acid residue is moderately conserved and there is a moderate physicochemical difference between aspartic acid and glycine. This variant is not present in population databases (ExAC no frequency). This variant has not been reported in the literature in individuals with DNAH11-related conditions. Algorithms developed to predict the effect of missense changes on protein structure and function output the following: SIFT: "Tolerated"; PolyPhen-2: "Benign"; Align-GVGD: "Class C0". The glycine amino acid residue is found in multiple mammalian species, suggesting that this missense change does not adversely affect protein function. These predictions have not been confirmed by published functional studies and their clinical significance is uncertain. In summary, the available evidence is currently insufficient to determine the role of this variant in disease. Therefore, it has been classified as a Variant of Uncertain Significance.

NM_001277115.2(DNAH11):c.3194A>G (p.Asp1065Gly)

Genes: DNAH11 (dynein axonemal heavy chain 11; plus strand), LOC126859961 (BRD4-independent group 4 enhancer GRCh37_chr7:21639662-21640861; plus strand). Cytogenetic location: 7p15.3.
Variant type: single nucleotide variant.
Coding change: c.3194A>G on transcript NM_001277115.2 (MANE Select); coding-DNA position 3194, A replaced by G.
Protein change: p.Asp1065Gly; replaces aspartic acid 1065 with glycine.
Molecular consequence: missense variant.
Genome position (GRCh38, 1-based): chr7:21,600,869, A>G. VCF-style: chr7-21600869-A-G. GRCh37 (hg19) VCF-style: chr7-21640487-A-G.
Other names: short protein forms D1065G.
Identifiers: ClinVar variation 948516 (VCV000948516.1), dbSNP rs1269889816, ClinGen allele CA366945309.